The following is an entry in ClinVar:

ClinVar aggregate classification (germline): Uncertain significance. Review status: criteria provided, multiple submitters, no conflicts (2 of 4 stars). 3 submissions from 3 submitters: Uncertain significance (3). Last evaluated 2025-12-08.

Conditions:
Hereditary cancer-predisposing syndrome. Also called: Hereditary Cancer Syndrome; Tumor predisposition; Neoplastic Syndromes, Hereditary; Hereditary neoplastic syndrome. Identifiers: Orphanet 140162, MedGen C0027672, MeSH D009386, MONDO:0015356.
Parathyroid carcinoma (PRTC). Also called: CDC73-Related Parathyroid Carcinoma; Parathyroid gland carcinoma. Identifiers: Orphanet 143, MedGen C0687150, MONDO:0012004, OMIM 608266, HP:0006780.
Hyperparathyroidism 1 (HRPT1). Also called: HYPERPARATHYROIDISM, FAMILIAL ISOLATED PRIMARY. Identifiers: Orphanet 99879, MedGen C1840402, MONDO:0007767, OMIM 145000.

Allele frequency attached by ClinVar (database versions not stated): gnomAD exomes below 0.00001 and 0.00011; gnomAD 0.00002; TOPMed 0.00002.
gnomAD v4.1: 152 of 1,598,288 alleles (0.0095%); highest among the groups gnomAD compares: Non-Finnish European, 0.013%; no homozygotes.

Submissions (3):

Labcorp Genetics (formerly Invitae), Labcorp
Classification: Uncertain significance for Parathyroid carcinoma. Last evaluated: 2025-12-08. Review status: criteria provided, single submitter. Criteria: Invitae Variant Classification Sherloc (09022015). Collection method: clinical testing. Allele origin: germline.
Comment: This sequence change replaces aspartic acid, which is acidic and polar, with asparagine, which is neutral and polar, at codon 379 of the CDC73 protein (p.Asp379Asn). This variant is present in population databases (no rsID available, gnomAD 0.004%). This missense change has been observed in individual(s) with benign parathyroid lesion and/or hyperparathyroidism-jaw tumor syndrome (PMID: 16487440, 32590342). ClinVar contains an entry for this variant (Variation ID: 864409). Invitae Evidence Modeling of protein sequence and biophysical properties (such as structural, functional, and spatial information, amino acid conservation, physicochemical variation, residue mobility, and thermodynamic stability) has been performed for this missense variant. However, the output from this modeling did not meet the statistical confidence thresholds required to predict the impact of this variant on CDC73 protein function. In summary, the available evidence is currently insufficient to determine the role of this variant in disease. Therefore, it has been classified as a Variant of Uncertain Significance.

Ambry Genetics
Classification: Uncertain significance for Hereditary cancer-predisposing syndrome. Last evaluated: 2024-05-29. Review status: criteria provided, single submitter. Criteria: Ambry Variant Classification Scheme 2023. Collection method: clinical testing. Allele origin: germline.
Comment: The p.D379N variant (also known as c.1135G>A), located in coding exon 13 of the CDC73 gene, results from a G to A substitution at nucleotide position 1135. The aspartic acid at codon 379 is replaced by asparagine, an amino acid with highly similar properties. This alteration has been identified in an individual with hyperparathyroidism-jaw tumor syndrome (Bradley KJ et al. Clin Endocrinol (Oxf) 2006 Mar;64(3):299-306). This amino acid position is well conserved in available vertebrate species. In addition, this alteration is predicted to be tolerated by in silico analysis. Since supporting evidence is limited at this time, the clinical significance of this alteration remains unclear.

Baylor Genetics
Classification: Uncertain significance for Hyperparathyroidism 1. Last evaluated: 2024-02-26. Review status: criteria provided, single submitter. Criteria: ACMG Guidelines, 2015. Collection method: clinical testing. Allele origin: unknown.

Literature cited by the submitters: PubMed 16487440 (cited by Labcorp Genetics (formerly Invitae), Labcorp and Ambry Genetics); PubMed 32590342 (cited by Labcorp Genetics (formerly Invitae), Labcorp); PubMed 26580448 (cited by Ambry Genetics).

NM_024529.5(CDC73):c.1135G>A (p.Asp379Asn)

Gene: CDC73 (cell division cycle 73; plus strand). Cytogenetic location: 1q31.2.
Variant type: single nucleotide variant.
Coding change: c.1135G>A on transcript NM_024529.5 (MANE Select); coding-DNA position 1135, G replaced by A.
Protein change: p.Asp379Asn; replaces aspartic acid 379 with asparagine.
Molecular consequence: missense variant.
Genome position (GRCh38, 1-based): chr1:193,212,458, G>A. VCF-style: chr1-193212458-G-A. GRCh37 (hg19) VCF-style: chr1-193181588-G-A.
Other names: short protein forms D379N.
Identifiers: ClinVar variation 864409 (VCV000864409.15), dbSNP rs971586985, ClinGen allele CA35098896.